The following is an entry in ClinVar:

ClinVar aggregate classification (germline): Uncertain significance (1 of 4 stars; one submission).

Submission:

Labcorp Genetics (formerly Invitae), Labcorp
Classification: Uncertain significance. Last evaluated: 2022-08-03. Review status: criteria provided, single submitter. Criteria: Invitae Variant Classification Sherloc (09022015). Collection method: clinical testing. Allele origin: germline.
Comment: In summary, the available evidence is currently insufficient to determine the role of this variant in disease. Therefore, it has been classified as a Variant of Uncertain Significance. This variant has not been reported in the literature in individuals affected with LEMD3-related conditions. Algorithms developed to predict the effect of missense changes on protein structure and function are either unavailable or do not agree on the potential impact of this missense change (SIFT: "Tolerated"; PolyPhen-2: "Probably Damaging"; Align-GVGD: "Class C0"). This sequence change replaces glutamic acid, which is acidic and polar, with aspartic acid, which is acidic and polar, at codon 33 of the LEMD3 protein (p.Glu33Asp). This variant is not present in population databases (gnomAD no frequency).

NM_014319.5(LEMD3):c.99G>C (p.Glu33Asp)

Gene: LEMD3 (LEM domain containing 3; plus strand). Cytogenetic location: 12q14.3.
Variant type: single nucleotide variant.
Coding change: c.99G>C on transcript NM_014319.5 (MANE Select); coding-DNA position 99, G replaced by C.
Protein change: p.Glu33Asp; replaces glutamic acid 33 with aspartic acid.
Molecular consequence: missense variant.
Genome position (GRCh38, 1-based): chr12:65,169,695, G>C. VCF-style: chr12-65169695-G-C. GRCh37 (hg19) VCF-style: chr12-65563475-G-C.
Other names: c.99G>C, p.Glu33Asp (NM_001167614.2); short protein forms E33D.
Identifiers: ClinVar variation 1714921 (VCV001714921.5), dbSNP rs754174270, ClinGen allele CA385671637.